The following is an entry in ClinVar:

ClinVar aggregate classification (germline): Likely benign. Review status: criteria provided, multiple submitters, no conflicts (2 of 4 stars). 3 submissions from 3 submitters: Likely benign (2). 1 of the submissions does not count toward it. Last evaluated 2025-12-24.

Allele frequency attached by ClinVar (database versions not stated): gnomAD 0.00002; ExAC 0.00003; gnomAD exomes 0.00004 and 0.00005; TOPMed 0.00004.
gnomAD v4.1: 64 of 1,608,522 alleles (0.004%); highest among the groups gnomAD compares: Middle Eastern, 0.17%; no homozygotes.

Submissions (3):

Labcorp Genetics (formerly Invitae), Labcorp
Classification: Likely benign. Last evaluated: 2025-12-24. Review status: criteria provided, single submitter. Criteria: Invitae Variant Classification Sherloc (09022015). Collection method: clinical testing. Allele origin: germline.

CeGaT Center for Human Genetics Tuebingen
Classification: Likely benign. Last evaluated: 2022-07-01. Review status: criteria provided, single submitter. Criteria: CeGaT Center For Human Genetics Tuebingen Variant Classification Criteria Version 2. Collection method: clinical testing. Allele origin: germline. Affected: yes. Observed: 1 variant allele.
Comment: AHDC1: BP4

Department of Pathology and Laboratory Medicine, Sinai Health System
Classification: Uncertain significance. Review status: no assertion criteria provided. Collection method: clinical testing. Allele origin: unknown. Affected: yes. Study: The Canadian Open Genetics Repository (COGR). Not counted in ClinVar's aggregate classification.
Comment: The AHDC1 p.Gly559Ser variant was not identified in the literature nor was it identified in ClinVar, Cosmic or LOVD 3.0. The variant was identified in dbSNP (ID: rs765994795) and in 15 of 279008 chromosomes at a frequency of 0.000054 (Genome Aggregation Database Feb 27, 2017). The variant was observed in the following populations: Other in 7 of 7104 chromosomes (freq: 0.000985) and European (non-Finnish) in 8 of 126874 chromosomes (freq: 0.000063); it was not observed in the African, Latino, Ashkenazi Jewish, East Asian, European (Finnish) and South Asian populations. The variant occurs outside of the splicing consensus sequence however 2 of 4 (SpliceSiteFinder-like and MaxEntScan) in silico or computational prediction software programs (SpliceSiteFinder-like and MaxEntScan) predict the gain of a 3' splice site at c.1676 and SpliceSiteFinder-like also predicts the loss of a 5' splice site at c.1675; however, this is not very predictive of pathogenicity. The p.Gly559 residue is conserved in mammals however computational analyses (PolyPhen-2, SIFT, AlignGVGD, BLOSUM, MutationTaster) provide inconsistent predictions regarding the impact to the protein; this information is not very predictive of pathogenicity. In summary, based on the above information the clinical significance of this variant cannot be determined with certainty at this time. This variant is classified as a variant of uncertain significance.

NM_001371928.1(AHDC1):c.1675G>A (p.Gly559Ser)

Gene: AHDC1 (AT-hook DNA binding motif containing 1; minus strand). Cytogenetic location: 1p36.11.
Variant type: single nucleotide variant.
Coding change: c.1675G>A on transcript NM_001371928.1 (MANE Select); coding-DNA position 1675, G replaced by A.
Protein change: p.Gly559Ser; replaces glycine 559 with serine.
Molecular consequence: missense variant.
Genome position (GRCh38, 1-based): chr1:27,550,441, C>T on the plus strand (G>A on the coding strand, the complement: AHDC1 is on the minus strand). VCF-style: chr1-27550441-C-T. GRCh37 (hg19) VCF-style: chr1-27876952-C-T.
Other names: c.1675G>A, p.Gly559Ser (NM_001029882.3); short protein forms G559S.
Identifiers: ClinVar variation 730037 (VCV000730037.38), dbSNP rs765994795, ClinGen allele CA715907.